The following is an entry in ClinVar:

NM_000368.5(TSC1):c.1523A>G (p.Tyr508Cys)

Gene: TSC1 (TSC complex subunit 1; minus strand). Cytogenetic location: 9q34.13.
Variant type: single nucleotide variant.
Coding change: c.1523A>G on transcript NM_000368.5 (MANE Select); coding-DNA position 1523, A replaced by G.
Protein change: p.Tyr508Cys; replaces tyrosine 508 with cysteine.
Molecular consequence: missense variant.
Genome position (GRCh38, 1-based): chr9:132,906,055, T>C on the plus strand (A>G on the coding strand, the complement: TSC1 is on the minus strand). VCF-style: chr9-132906055-T-C. GRCh37 (hg19) VCF-style: chr9-135781442-T-C.
Other names: c.1520A>G, p.Tyr507Cys (NM_001162426.2); c.1370A>G, p.Tyr457Cys (NM_001162427.2); c.1160A>G, p.Tyr387Cys (NM_001362177.2); short protein forms Y387C, Y457C, Y507C, Y508C.
Identifiers: ClinVar variation 1022168 (VCV001022168.8), dbSNP rs1845653443, ClinGen allele CA375365259.

ClinVar aggregate classification (germline): Uncertain significance (1 of 4 stars; one submission).

Conditions:
Tuberous sclerosis 1 (TSC1). Identifiers: Orphanet 805, MedGen C1854465, MONDO:0008612, OMIM 191100.

Submission:

Labcorp Genetics (formerly Invitae), Labcorp
Classification: Uncertain significance for Tuberous sclerosis 1. Last evaluated: 2025-07-16. Review status: criteria provided, single submitter. Criteria: Invitae Variant Classification Sherloc (09022015). Collection method: clinical testing. Allele origin: germline.
Comment: This sequence change replaces tyrosine, which is neutral and polar, with cysteine, which is neutral and slightly polar, at codon 508 of the TSC1 protein (p.Tyr508Cys). This variant is not present in population databases (gnomAD no frequency). This variant has not been reported in the literature in individuals affected with TSC1-related conditions. ClinVar contains an entry for this variant (Variation ID: 1022168). Invitae Evidence Modeling of protein sequence and biophysical properties (such as structural, functional, and spatial information, amino acid conservation, physicochemical variation, residue mobility, and thermodynamic stability) indicates that this missense variant is not expected to disrupt TSC1 protein function with a negative predictive value of 95%. In summary, the available evidence is currently insufficient to determine the role of this variant in disease. Therefore, it has been classified as a Variant of Uncertain Significance.